The following is an entry in ClinVar:

NM_001042492.3(NF1):c.2923C>G (p.His975Asp)

Gene: NF1 (neurofibromin 1; plus strand). Cytogenetic location: 17q11.2.
Variant type: single nucleotide variant.
Coding change: c.2923C>G on transcript NM_001042492.3 (MANE Select); coding-DNA position 2923, C replaced by G.
Protein change: p.His975Asp; replaces histidine 975 with aspartic acid.
Molecular consequence: missense variant.
Genome position (GRCh38, 1-based): chr17:31,229,907, C>G. VCF-style: chr17-31229907-C-G. GRCh37 (hg19) VCF-style: chr17-29556925-C-G.
Other names: c.2923C>G, p.His975Asp (NM_000267.4); short protein forms H975D.
Identifiers: ClinVar variation 5025577 (VCV005025577.1).

ClinVar aggregate classification (germline): Uncertain significance (1 of 4 stars; one submission).

Conditions:
Cardiovascular phenotype. Identifiers: MedGen CN230736.
Hereditary cancer-predisposing syndrome. Also called: Neoplastic Syndromes, Hereditary; Tumor predisposition; Hereditary neoplastic syndrome; Hereditary Cancer Syndrome. Identifiers: Orphanet 140162, MedGen C0027672, MeSH D009386, MONDO:0015356.

Submission:

Ambry Genetics
Classification: Uncertain significance for Cardiovascular phenotype; Hereditary cancer-predisposing syndrome. Last evaluated: 2026-07-19. Review status: criteria provided, single submitter. Criteria: Ambry Variant Classification Scheme 2023. Collection method: clinical testing. Allele origin: germline.
Comment: The p.H975D variant (also known as c.2923C>G), located in coding exon 22 of the NF1 gene, results from a C to G substitution at nucleotide position 2923. The histidine at codon 975 is replaced by aspartic acid, an amino acid with similar properties. This amino acid position is conserved. In addition, this alteration is predicted to be deleterious by in silico analysis. Based on the available evidence, the clinical significance of this variant remains unclear.